The following is an entry in ClinVar:

NM_004006.3(DMD):c.69del (p.Lys23fs)

Gene: DMD (dystrophin; minus strand). Cytogenetic location: Xp21.1.
Variant type: Deletion.
Coding change: c.69del on transcript NM_004006.3 (MANE Select); coding-DNA position 69, one base deleted (A; older notation c.69delA).
Protein change: p.Lys23fs; shifts the reading frame from lysine 23.
Molecular consequence: frameshift variant. On other transcripts: 5 prime UTR variant (1).
Genome position (GRCh38, 1-based): chrX:33,020,163, T deleted on the plus strand (A on the coding strand, the reverse complement: DMD is on the minus strand); the first of 4 consecutive T bases (chrX:33,020,163-33,020,166); deleting any one gives the same sequence. VCF-style (leftmost placement, unchanged base first): chrX-33020162-AT-A. GRCh37 (hg19) VCF-style: chrX-33038279-AT-A.
Other names: c.45del, p.Lys15fs (NM_000109.4); c.57del, p.Lys19fs (NM_004009.3); c.-301del (NM_004010.3); short protein forms K15fs, K19fs, K23fs.
Identifiers: ClinVar variation 4712107 (VCV004712107.1).

ClinVar aggregate classification (germline): Pathogenic (1 of 4 stars; one submission).

Conditions:
Duchenne muscular dystrophy (DMD). Also called: MUSCULAR DYSTROPHY, PSEUDOHYPERTROPHIC PROGRESSIVE, DUCHENNE TYPE; Duchenne Muscular Dystrophy (DMD). Identifiers: Orphanet 98896, MedGen C0013264, MONDO:0010679, OMIM 310200.

Submission:

Labcorp Genetics (formerly Invitae), Labcorp
Classification: Pathogenic for Duchenne muscular dystrophy. Last evaluated: 2025-02-10. Review status: criteria provided, single submitter. Criteria: Invitae Variant Classification Sherloc (09022015). Collection method: clinical testing. Allele origin: germline.
Comment: This sequence change creates a premature translational stop signal (p.Lys23Asnfs*3) in the DMD gene. It is expected to result in an absent or disrupted protein product. Loss-of-function variants in DMD are known to be pathogenic (PMID: 16770791, 25007885). This variant is not present in population databases (gnomAD no frequency). This variant has not been reported in the literature in individuals affected with DMD-related conditions. For these reasons, this variant has been classified as Pathogenic.

Literature cited by the submitters: PubMed 16770791; PubMed 25007885.